The following is an entry in ClinVar:

NM_003079.5(SMARCE1):c.156G>A (p.Thr52=)

Gene: SMARCE1 (SWI/SNF related BAF chromatin remodeling complex subunit E1; minus strand). Cytogenetic location: 17q21.2.
Variant type: single nucleotide variant.
Coding change: c.156G>A on transcript NM_003079.5 (MANE Select); coding-DNA position 156, G replaced by A.
Protein change: p.Thr52=; no amino-acid change (threonine 52 retained).
Molecular consequence: synonymous variant.
Genome position (GRCh38, 1-based): chr17:40,642,455, C>T on the plus strand (G>A on the coding strand, the complement: SMARCE1 is on the minus strand). VCF-style: chr17-40642455-C-T. GRCh37 (hg19) VCF-style: chr17-38798707-C-T.
Identifiers: ClinVar variation 3897746 (VCV003897746.2), dbSNP rs1240295309.

ClinVar aggregate classification (germline): Uncertain significance (1 of 4 stars; one submission).
ClinVar aggregate classification (oncogenicity): Uncertain significance (1 of 4 stars; one submission).

Conditions:
Familial meningioma. Also called: Meningioma, familial, susceptibility to. Identifiers: Orphanet 263662, MedGen C3551915, MONDO:0011789, OMIM 607174.
Meningioma. Also called: Meningioma, somatic. Identifiers: Orphanet 2495, MedGen C0025286, MONDO:0016642, HP:0002858.

gnomAD v4.1: 1 of 1,569,936 alleles (0.000064%); highest among the groups gnomAD compares: Non-Finnish European, 0.000088%; no homozygotes.

Submissions (2):

Labcorp Genetics (formerly Invitae), Labcorp
Classification: Uncertain significance for Familial meningioma. Last evaluated: 2025-12-08. Review status: criteria provided, single submitter. Criteria: Invitae Variant Classification Sherloc (09022015). Collection method: clinical testing. Allele origin: germline.
Comment: This sequence change affects codon 52 of the SMARCE1 mRNA. It is a 'silent' change, meaning that it does not change the encoded amino acid sequence of the SMARCE1 protein. This variant also falls at the last nucleotide of exon 4, which is part of the consensus splice site for this exon. This variant is present in population databases (no rsID available, gnomAD 0.0009%). This variant has not been reported in the literature in individuals affected with SMARCE1-related conditions. ClinVar contains an entry for this variant (Variation ID: 3897746). Variants that disrupt the consensus splice site are a relatively common cause of aberrant splicing (PMID: 17576681, 9536098). Algorithms developed to predict the effect of sequence changes on RNA splicing suggest that this variant may disrupt the consensus splice site. In summary, the available evidence is currently insufficient to determine the role of this variant in disease. Therefore, it has been classified as a Variant of Uncertain Significance.

Dr. Guy Rouleau's laboratory, McGill University
Classification: Uncertain significance for Meningioma. Last evaluated: 2025-03-30. Review status: criteria provided, single submitter. Criteria: ClinGen/CGC/VICC Guidelines for Oncogenicity, 2022. Collection method: research. Allele origin: somatic. Affected: yes.
Comment: This synonymous SMARCE1 variant, located at the last nucleotide of exon 4 (c.156G>A), is at a well-conserved position, and this change supports a deleterious effect on splicing. This somatic variant was identified in a paired tumor-blood sequencing study of meningiomas. It has been documented in population databases (gnomAD v2.1.1: allele frequency = 0.000003977, exome coverage = 73X). However, based on insufficient evidence, the clinical significance of this variant remains unknown

Literature cited by the submitters: PubMed 17576681 (cited by Labcorp Genetics (formerly Invitae), Labcorp); PubMed 9536098 (cited by Labcorp Genetics (formerly Invitae), Labcorp).